The following is an entry in ClinVar:

ClinVar aggregate classification (germline): Likely benign. Review status: criteria provided, multiple submitters, no conflicts (2 of 4 stars). 3 submissions from 3 submitters: Likely benign (3). Last evaluated 2026-04-01.

Allele frequency attached by ClinVar (database versions not stated): gnomAD exomes 0.00017 and 0.00057; ExAC 0.00063; ESP Exome Variant Server 0.00178; gnomAD 0.00194 and 0.00205; 1000 Genomes Project 30x 0.00219; 1000 Genomes Project 0.00220; TOPMed 0.00243.
gnomAD v4.1: 559 of 1,613,938 alleles (0.035%); highest among the groups gnomAD compares: African/African-American, 0.63%; no homozygotes.

Submissions (3):

CeGaT Center for Human Genetics Tuebingen
Classification: Likely benign. Last evaluated: 2026-04-01. Review status: criteria provided, single submitter. Criteria: CeGaT Center For Human Genetics Tuebingen Variant Classification Criteria Version 2. Collection method: clinical testing. Allele origin: germline. Affected: yes. Observed: 1 variant allele.
Comment: LTBP4: BP4, BP7

Labcorp Genetics (formerly Invitae), Labcorp
Classification: Likely benign. Last evaluated: 2026-01-25. Review status: criteria provided, single submitter. Criteria: Invitae Variant Classification Sherloc (09022015). Collection method: clinical testing. Allele origin: germline.

GeneDx
Classification: Likely benign. Last evaluated: 2020-11-27. Review status: criteria provided, single submitter. Criteria: GeneDx Variant Classification Process June 2021. Collection method: clinical testing. Allele origin: germline. Affected: yes.

NM_001042545.2(LTBP4):c.3132A>G (p.Glu1044=)

Gene: LTBP4 (latent transforming growth factor beta binding protein 4; plus strand). Cytogenetic location: 19q13.2.
Variant type: single nucleotide variant.
Coding change: c.3132A>G on transcript NM_001042545.2 (MANE Select); coding-DNA position 3132, A replaced by G.
Protein change: p.Glu1044=; no amino-acid change (glutamic acid 1044 retained).
Molecular consequence: synonymous variant.
Genome position (GRCh38, 1-based): chr19:40,619,408, A>G. VCF-style: chr19-40619408-A-G. GRCh37 (hg19) VCF-style: chr19-41125313-A-G.
Other names: c.3333A>G, p.Glu1111= (NM_001042544.1); c.3222A>G, p.Glu1074= (NM_003573.2).
Identifiers: ClinVar variation 508029 (VCV000508029.16), dbSNP rs35731433, ClinGen allele CA9448922.
Genomic context (GRCh38, chr19:40,619,408, plus strand): 5'-TGTGAACGAGTGTGAAACACTACAGGGTGTATGTGGAGCTGCCCTGTGTGAAAATGTCGA[A>G]GGCTCCTTCCTCTGTGTCTGCCCCAACAGCCCGGAAGAGTTTGACCCCATGACTGGACGC-3'
Protein context (NP_001036010.1, residues 1034-1054): VCGAALCENV[Glu1044=]GSFLCVCPNS